The following is an entry in ClinVar:

NM_015374.3(SUN2):c.1834G>A (p.Val612Met)

Genes: GTPBP1 (GTP binding protein 1; plus strand), SUN2 (Sad1 and UNC84 domain containing 2; minus strand). Cytogenetic location: 22q13.1.
Variant type: single nucleotide variant.
Coding change: c.1834G>A on transcript NM_015374.3 (MANE Select); coding-DNA position 1834, G replaced by A.
Protein change: p.Val612Met; replaces valine 612 with methionine.
Molecular consequence: missense variant.
Genome position (GRCh38, 1-based): chr22:38,738,700, C>T on the plus strand (G>A on the coding strand, the complement: SUN2 is on the minus strand). VCF-style: chr22-38738700-C-T. GRCh37 (hg19) VCF-style: chr22-39134705-C-T.
Other names: c.1897G>A, p.Val633Met (NM_001199579.2, NM_001394428.1); c.1834G>A, p.Val612Met (NM_001199580.2, NM_001394431.1, NM_001394432.1 and 3 more transcripts); c.1927G>A, p.Val643Met (NM_001394427.1); c.1879G>A, p.Val627Met (NM_001394429.1, NM_001394430.1); c.1831G>A, p.Val611Met (NM_001394436.1, NM_001394437.1); c.1744G>A, p.Val582Met (NM_001394438.1); c.1696G>A, p.Val566Met (NM_001394439.1, NM_001394440.1, NM_001394441.1); c.1435G>A, p.Val479Met (NM_001394442.1); and 2 more; short protein forms V582M, V612M, V448M, V566M, V627M, V633M, V420M, V611M.
Identifiers: ClinVar variation 3963998 (VCV003963998.2).

ClinVar aggregate classification (germline): Uncertain significance. Review status: criteria provided, multiple submitters, no conflicts (2 of 4 stars). 2 submissions from 2 submitters: Uncertain significance (2). Last evaluated 2025-12-11.

Conditions:
Emery-Dreifuss muscular dystrophy (EDMD). Also called: Scapuloperoneal syndrome, X-linked (formerly); Humeroperoneal neuromuscular disease, (formerly). Identifiers: Orphanet 261, MedGen C0410189, MONDO:0016830.

gnomAD v4.1: 14 of 1,613,708 alleles (0.00087%); highest among the groups gnomAD compares: African/African-American, 0.0013%; no homozygotes.

Submissions (2):

Labcorp Genetics (formerly Invitae), Labcorp
Classification: Uncertain significance for Emery-Dreifuss muscular dystrophy. Last evaluated: 2025-12-11. Review status: criteria provided, single submitter. Criteria: Invitae Variant Classification Sherloc (09022015). Collection method: clinical testing. Allele origin: germline.
Comment: This sequence change replaces valine, which is neutral and non-polar, with methionine, which is neutral and non-polar, at codon 612 of the SUN2 protein (p.Val612Met). This variant is present in population databases (no rsID available, gnomAD 0.003%). This variant has not been reported in the literature in individuals affected with SUN2-related conditions. ClinVar contains an entry for this variant (Variation ID: 3963998). An algorithm developed to predict the effect of missense changes on protein structure and function (PolyPhen-2) suggests that this variant is likely to be disruptive. In summary, the available evidence is currently insufficient to determine the role of this variant in disease. Therefore, it has been classified as a Variant of Uncertain Significance.

Ambry Genetics
Classification: Uncertain significance. Last evaluated: 2025-05-26. Review status: criteria provided, single submitter. Criteria: Ambry Variant Classification Scheme 2023. Collection method: clinical testing. Allele origin: germline.